The following is an entry in ClinVar:

ClinVar aggregate classification (germline): Uncertain significance. Review status: criteria provided, multiple submitters, no conflicts (2 of 4 stars). 3 submissions from 3 submitters: Uncertain significance (3). Last evaluated 2024-05-30.

Conditions:
Inborn genetic diseases. Identifiers: MedGen C0950123, MeSH D030342.

gnomAD v4.1: 25 of 1,614,052 alleles (0.0015%); highest among the groups gnomAD compares: East Asian, 0.022%; no homozygotes.

Submissions (3):

Blueprint Genetics
Classification: Uncertain significance. Last evaluated: 2024-05-30. Review status: criteria provided, single submitter. Criteria: ACMG Guidelines, 2015. Collection method: clinical testing. Allele origin: germline.

Ambry Genetics
Classification: Uncertain significance for Inborn genetic diseases. Last evaluated: 2024-05-24. Review status: criteria provided, single submitter. Criteria: Ambry Variant Classification Scheme 2023. Collection method: clinical testing. Allele origin: germline.

GeneDx
Classification: Uncertain significance. Last evaluated: 2020-02-09. Review status: criteria provided, single submitter. Criteria: GeneDx Variant Classification Process June 2021. Collection method: clinical testing. Allele origin: germline. Affected: yes.
Comment: In silico analysis supports that this missense variant does not alter protein structure/function; Has not been previously published as pathogenic or benign to our knowledge

NM_003383.5(VLDLR):c.827G>C (p.Arg276Pro)

Gene: VLDLR (very low density lipoprotein receptor; plus strand). Cytogenetic location: 9p24.2.
Variant type: single nucleotide variant.
Coding change: c.827G>C on transcript NM_003383.5 (MANE Select); coding-DNA position 827, G replaced by C.
Protein change: p.Arg276Pro; replaces arginine 276 with proline.
Molecular consequence: missense variant.
Genome position (GRCh38, 1-based): chr9:2,643,634, G>C. VCF-style: chr9-2643634-G-C. GRCh37 (hg19) VCF-style: chr9-2643634-G-C.
Other names: c.827G>C, p.Arg276Pro (NM_001018056.3); c.704G>C, p.Arg235Pro (NM_001322225.2, NM_001322226.2); short protein forms R235P, R276P.
Identifiers: ClinVar variation 1315259 (VCV001315259.4), dbSNP rs748580464, ClinGen allele CA4964648.
Genomic context (GRCh38, chr9:2,643,634, plus strand): 5'-TATCAACTGGGACAATTTGCTGGCTTCATTCCATGGTGTTTCCTCCCTTTGTAGCCTCTC[G>C]AACTTGCCGACCTGACCAATTTGAATGTGAGGATGGCAGCTGCATCCATGGCAGCAGGCA-3'
Protein context (NP_003374.3, residues 266-286): DGSDEVNCPS[Arg276Pro]TCRPDQFECE